The following is an entry in ClinVar:

ClinVar aggregate classification (germline): Uncertain significance (1 of 4 stars; one submission).

Conditions:
Familial adenomatous polyposis 1 (FAP1). Also called: FAMILIAL ADENOMATOUS POLYPOSIS 1, ATTENUATED; POLYPOSIS, ADENOMATOUS INTESTINAL. Identifiers: MedGen C2713442, MONDO:0021056, OMIM 175100. Disease mechanism: loss of function.

Submission:

Labcorp Genetics (formerly Invitae), Labcorp
Classification: Uncertain significance for Familial adenomatous polyposis 1. Last evaluated: 2019-10-26. Review status: criteria provided, single submitter. Criteria: Invitae Variant Classification Sherloc (09022015). Collection method: clinical testing. Allele origin: germline.
Comment: In summary, the available evidence is currently insufficient to determine the role of this variant in disease. Therefore, it has been classified as a Variant of Uncertain Significance. Algorithms developed to predict the effect of missense changes on protein structure and function are either unavailable or do not agree on the potential impact of this missense change (SIFT: "Deleterious"; PolyPhen-2: "Probably Damaging"; Align-GVGD: "Class C0"). This variant has not been reported in the literature in individuals with APC-related conditions. This variant is not present in population databases (ExAC no frequency). This sequence change replaces lysine with glutamine at codon 980 of the APC protein (p.Lys980Gln). The lysine residue is highly conserved and there is a small physicochemical difference between lysine and glutamine.

NM_000038.6(APC):c.2938A>C (p.Lys980Gln)

Gene: APC (APC regulator of Wnt signaling pathway; plus strand). Cytogenetic location: 5q22.2.
Variant type: single nucleotide variant.
Coding change: c.2938A>C on transcript NM_000038.6 (MANE Select); coding-DNA position 2938, A replaced by C.
Protein change: p.Lys980Gln; replaces lysine 980 with glutamine.
Molecular consequence: missense variant.
Genome position (GRCh38, 1-based): chr5:112,838,532, A>C. VCF-style: chr5-112838532-A-C. GRCh37 (hg19) VCF-style: chr5-112174229-A-C.
Other names: c.2938A>C, p.Lys980Gln (NM_001127510.3, NM_001354895.2); c.2884A>C, p.Lys962Gln (NM_001127511.3); c.2992A>C, p.Lys998Gln (NM_001354896.2); c.2968A>C, p.Lys990Gln (NM_001354897.2); c.2863A>C, p.Lys955Gln (NM_001354898.2); c.2854A>C, p.Lys952Gln (NM_001354899.2); c.2815A>C, p.Lys939Gln (NM_001354900.2); c.2761A>C, p.Lys921Gln (NM_001354901.2); and 5 more; short protein forms K697Q, K879Q, K921Q, K952Q, K980Q, K820Q, K955Q, K962Q.
Identifiers: ClinVar variation 956228 (VCV000956228.11), dbSNP rs1554084592, ClinGen allele CA16027750.
Genomic context (GRCh38, chr5:112,838,532, plus strand): 5'-TCAAATGATAGTTTAAATAGTGTCAGTAGTAGTGATGGTTATGGTAAAAGAGGTCAAATG[A>C]AACCCTCGATTGAATCCTATTCTGAAGATGATGAAAGTAAGTTTTGCAGTTATGGTCAAT-3'
Protein context (NP_000029.2, residues 970-990): SDGYGKRGQM[Lys980Gln]PSIESYSEDD